The following is an entry in ClinVar:

ClinVar aggregate classification (germline): Uncertain significance (1 of 4 stars; one submission).

Conditions:
Baller-Gerold syndrome (BGS). Also called: CRANIOSYNOSTOSIS WITH RADIAL DEFECTS. Identifiers: Orphanet 1225, MedGen C0265308, MONDO:0009039, OMIM 218600.

Submission:

Labcorp Genetics (formerly Invitae), Labcorp
Classification: Uncertain significance for Baller-Gerold syndrome. Last evaluated: 2021-02-12. Review status: criteria provided, single submitter. Criteria: Invitae Variant Classification Sherloc (09022015). Collection method: clinical testing. Allele origin: germline.
Comment: This variant is not present in population databases (ExAC no frequency). In summary, the available evidence is currently insufficient to determine the role of this variant in disease. Therefore, it has been classified as a Variant of Uncertain Significance. Nucleotide substitutions within the consensus splice site are a relatively common cause of aberrant splicing (PMID: 17576681, 9536098). Algorithms developed to predict the effect of sequence changes on RNA splicing suggest that this variant may disrupt the consensus splice site, but this prediction has not been confirmed by published transcriptional studies. This variant has not been reported in the literature in individuals with RECQL4-related conditions. This sequence change affects a donor splice site in intron 20 of the RECQL4 gene. While this variant is not anticipated to result in nonsense mediated decay, it likely alters RNA splicing and results in a disrupted protein product.

Literature cited by the submitters: PubMed 17576681; PubMed 9536098.

NM_004260.4(RECQL4):c.3502_3502+8del

Gene: RECQL4 (RecQ like helicase 4; minus strand). Cytogenetic location: 8q24.3.
Variant type: Deletion.
Coding change: c.3502_3502+8del on transcript NM_004260.4 (MANE Select); coding-DNA position 3502 through 8 bases into the intron after coding-DNA position 3502, 9 bases deleted (GGTGAGGCC; older notation c.3502_3502+8delGGTGAGGCC).
Molecular consequence: splice donor variant.
Genome position (GRCh38, 1-based): chr8:144,511,673-144,511,681, GGCCTCACC deleted on the plus strand (GGTGAGGCC on the coding strand, the reverse complement: RECQL4 is on the minus strand); deleting any 9 consecutive bases within chr8:144,511,673-144,511,682 gives the same sequence; the c. name uses the placement nearest the transcript's 3' end. VCF-style (leftmost placement, unchanged base first): chr8-144511672-AGGCCTCACC-A. GRCh37 (hg19) VCF-style: chr8-145737055-AGGCCTCACC-A.
Identifiers: ClinVar variation 1398265 (VCV001398265.6), dbSNP rs2130650891, ClinGen allele CA2573143040.